The following is an entry in ClinVar:

ClinVar aggregate classification (germline): Uncertain significance. Review status: criteria provided, multiple submitters, no conflicts (2 of 4 stars). 3 submissions from 3 submitters: Uncertain significance (3). Last evaluated 2025-07-11.

Conditions:
Familial hemiplegic migraine. Identifiers: MedGen C0338484, MONDO:0000700.

Allele frequency attached by ClinVar (database versions not stated): gnomAD 0.00001; gnomAD exomes 0.00001; TOPMed 0.00001.
gnomAD v4.1: 10 of 1,614,066 alleles (0.00062%); highest among the groups gnomAD compares: South Asian, 0.0055%; no homozygotes.

Submissions (3):

GeneDx
Classification: Uncertain significance. Last evaluated: 2025-07-11. Review status: criteria provided, single submitter. Criteria: GeneDx Variant Classification Process June 2021. Collection method: clinical testing. Allele origin: germline. Affected: yes.
Comment: Reported as a paternally inherited variant of uncertain significance in a proband with learning difficulty and epilepsy (PMID: 36703223); In silico analysis supports that this missense variant has a deleterious effect on protein structure/function; This variant is associated with the following publications: (PMID: 18184292, 36703223)

Labcorp Genetics (formerly Invitae), Labcorp
Classification: Uncertain significance for Familial hemiplegic migraine. Last evaluated: 2024-09-30. Review status: criteria provided, single submitter. Criteria: Invitae Variant Classification Sherloc (09022015). Collection method: clinical testing. Allele origin: germline.
Comment: This sequence change replaces proline, which is neutral and non-polar, with leucine, which is neutral and non-polar, at codon 526 of the ATP1A2 protein (p.Pro526Leu). This variant is present in population databases (rs764078366, gnomAD 0.01%). This missense change has been observed in individual(s) with clinical features of ATP1A2-related conditions (PMID: 36703223). ClinVar contains an entry for this variant (Variation ID: 1060459). Invitae Evidence Modeling of protein sequence and biophysical properties (such as structural, functional, and spatial information, amino acid conservation, physicochemical variation, residue mobility, and thermodynamic stability) indicates that this missense variant is not expected to disrupt ATP1A2 protein function with a negative predictive value of 80%. In summary, the available evidence is currently insufficient to determine the role of this variant in disease. Therefore, it has been classified as a Variant of Uncertain Significance.

Dubai Health Genomic Medicine Center, Dubai Health
Classification: Uncertain significance. Last evaluated: 2022-12-17. Review status: criteria provided, single submitter. Criteria: ACMG Guidelines, 2015. Collection method: clinical testing. Allele origin: germline. Affected: yes.

Literature cited by the submitters: PubMed 36703223 (cited by Labcorp Genetics (formerly Invitae), Labcorp).

NM_000702.4(ATP1A2):c.1577C>T (p.Pro526Leu)

Gene: ATP1A2 (ATPase Na+/K+ transporting subunit alpha 2; plus strand). Cytogenetic location: 1q23.2.
Variant type: single nucleotide variant.
Coding change: c.1577C>T on transcript NM_000702.4 (MANE Select); coding-DNA position 1577, C replaced by T.
Protein change: p.Pro526Leu; replaces proline 526 with leucine.
Molecular consequence: missense variant.
Genome position (GRCh38, 1-based): chr1:160,130,217, C>T. VCF-style: chr1-160130217-C-T. GRCh37 (hg19) VCF-style: chr1-160100007-C-T.
Other names: c.1577C>T (NM_000702.3); short protein forms P526L.
Identifiers: ClinVar variation 1060459 (VCV001060459.12), dbSNP rs764078366, ClinGen allele CA1194526.